The following is an entry in ClinVar:

NM_001005273.3(CHD3):c.4927A>G (p.Thr1643Ala)

Gene: CHD3 (chromodomain helicase DNA binding protein 3; plus strand). Cytogenetic location: 17p13.1.
Variant type: single nucleotide variant.
Coding change: c.4927A>G on transcript NM_001005273.3 (MANE Select); coding-DNA position 4927, A replaced by G.
Protein change: p.Thr1643Ala; replaces threonine 1643 with alanine.
Molecular consequence: missense variant. On other transcripts: intron variant (2).
Genome position (GRCh38, 1-based): chr17:7,907,603, A>G. VCF-style: chr17-7907603-A-G. GRCh37 (hg19) VCF-style: chr17-7810921-A-G.
Other names: c.5104A>G, p.Thr1702Ala (NM_001005271.3, NM_001437504.1); c.5092A>G, p.Thr1698Ala (NM_001437507.1, NM_001437509.1); c.5089+115A>G (NM_001437508.1); c.4924+115A>G (NM_005852.4); short protein forms T1643A, T1698A, T1702A.
Identifiers: ClinVar variation 4885983 (VCV004885983.2).
Genomic context (GRCh38, chr17:7,907,603, plus strand): 5'-CTGGGGTCAGGGGATGAGGGTAACATCCTCCCTTCCTATCCCCTACCCCCTCCCACAGCC[A>G]CAGAGTCGACGCCAGGAGAAAGGGGGGAGGAGAAGCCGTTGGATGGACAGGAACACAGGG-3'
Protein context (NP_001005273.1, residues 1633-1653): GYRGDREKSA[Thr1643Ala]ESTPGERGEE

ClinVar aggregate classification (germline): Uncertain significance (1 of 4 stars; one submission).

gnomAD v4.1: 9 of 1,512,546 alleles (0.0006%); highest among the groups gnomAD compares: Admixed American, 0.0076%; no homozygotes.

Submission:

Dasa
Classification: Uncertain significance. Last evaluated: 2025-10-20. Review status: criteria provided, single submitter. Criteria: DASA Assertion Criteria. Collection method: clinical testing. Allele origin: germline.
Comment: NM_001005273.3(CHD3):c.4927A>G (p.Thr1643Ala) is a missense variant that results in the substitution of threonine with alanine. This variant is rare in population databases. The currently available literature and clinical evidence are not sufficient to establish a definitive association between this variant and the reported condition. Therefore, this variant is classified as a variant of uncertain significance.